The following is an entry in ClinVar:

NM_018896.5(CACNA1G):c.6242C>A (p.Ser2081Tyr)

Gene: CACNA1G (calcium voltage-gated channel subunit alpha1 G; plus strand). Cytogenetic location: 17q21.33.
Variant type: single nucleotide variant.
Coding change: c.6242C>A on transcript NM_018896.5 (MANE Select); coding-DNA position 6242, C replaced by A.
Protein change: p.Ser2081Tyr; replaces serine 2081 with tyrosine.
Molecular consequence: missense variant. On other transcripts: non-coding transcript variant (5).
Genome position (GRCh38, 1-based): chr17:50,624,372, C>A. VCF-style: chr17-50624372-C-A. GRCh37 (hg19) VCF-style: chr17-48701733-C-A.
Other names: c.6053C>A, p.Ser2018Tyr (NM_001256324.2); c.5984C>A, p.Ser1995Tyr (NM_001256325.2); c.5972C>A, p.Ser1991Tyr (NM_001256326.2); c.5942C>A, p.Ser1981Tyr (NM_001256327.2); c.5888C>A, p.Ser1963Tyr (NM_001256328.2); c.5861C>A, p.Ser1954Tyr (NM_001256329.2, NM_198376.3, NM_198387.3); c.5828C>A, p.Ser1943Tyr (NM_001256330.2); c.5807C>A, p.Ser1936Tyr (NM_001256331.2); and 15 more; short protein forms S1970Y, S1977Y, S1931Y, S1954Y, S1961Y, S1988Y, S2002Y, S2025Y.
Identifiers: ClinVar variation 5005776 (VCV005005776.2).

ClinVar aggregate classification (germline): Uncertain significance (1 of 4 stars; one submission).

Conditions:
Spinocerebellar ataxia 42, early-onset, severe, with neurodevelopmental deficits. Identifiers: MedGen C4748120, MONDO:0060758, OMIM 618087.
Spinocerebellar ataxia type 42. Identifiers: Orphanet 458803, MedGen C4225205, MONDO:0014776, OMIM 616795.

Submission:

Juno Genomics, Hangzhou Juno Genomics, Inc
Classification: Uncertain significance for Spinocerebellar ataxia type 42; Spinocerebellar ataxia 42, early-onset, severe, with neurodevelopmental deficits. Review status: criteria provided, single submitter. Criteria: ACMG Guidelines, 2015. Collection method: clinical testing. Allele origin: germline.
Comment: Missense variant in a gene that has a low rate of benign missense variation.;Multiple lines of computational evidence support a deleterious effect on the gene or gene product.;Absent from controls (or at extremely low frequency if recessive) in Genome Aggregation Database.